The following is an entry in ClinVar:

ClinVar aggregate classification (germline): Pathogenic. Review status: criteria provided, multiple submitters, no conflicts (2 of 4 stars). 2 submissions from 2 submitters: Pathogenic (2). Last evaluated 2023-03-09.

Conditions:
Inborn genetic diseases. Identifiers: MedGen C0950123, MeSH D030342.
Merosin deficient congenital muscular dystrophy (MDC1A). Also called: Congenital Muscular Dystrophy Type 1A (MDC1A); Congenital merosin-deficient muscular dystrophy 1A. Identifiers: Orphanet 258, MedGen C1263858, MONDO:0011925, OMIM 607855.

Submissions (2):

Baylor Genetics
Classification: Pathogenic for Merosin deficient congenital muscular dystrophy. Last evaluated: 2023-03-09. Review status: criteria provided, single submitter. Criteria: ACMG Guidelines, 2015. Collection method: clinical testing. Allele origin: unknown.

Ambry Genetics
Classification: Pathogenic for Inborn genetic diseases. Last evaluated: 2021-06-18. Review status: criteria provided, single submitter. Criteria: Ambry Variant Classification Scheme 2023. Collection method: clinical testing. Allele origin: germline.
Comment: The c.1490_1491delGT (p.C497*) alteration, located in exon 11 (coding exon 11) of the LAMA2 gene, consists of a deletion of 2 nucleotides from position 1490 to 1491, changing the amino acid from a cysteine (C) to a stop codon at amino acid position 497. This alteration is expected to result in loss of function by premature protein truncation or nonsense-mediated mRNA decay. Based on data from the Genome Aggregation Database (gnomAD), the LAMA2 c.1490_1491delGT alteration was not observed, with coverage at this position. This alteration has been reported in the compound heterozygous state and confirmed in trans with a second LAMA2 alteration in patients with congenital muscular dystrophy (Guicheney, 1998; Natera-de Benito, 2020). Based on the available evidence, this alteration is classified as pathogenic.

Literature cited by the submitters: PubMed 9541105 (cited by Ambry Genetics); PubMed 32266982 (cited by Ambry Genetics).

NM_000426.4(LAMA2):c.1490_1491del (p.Asp496_Cys497insTer)

Gene: LAMA2 (laminin subunit alpha 2; plus strand). Cytogenetic location: 6q22.33.
Variant type: Deletion.
Coding change: c.1490_1491del on transcript NM_000426.4 (MANE Select); coding-DNA positions 1490 to 1491, 2 bases deleted (GT; older notation c.1490_1491delGT).
Protein change: p.Asp496_Cys497insTer.
Molecular consequence: nonsense.
Genome position (GRCh38, 1-based): chr6:129,190,227-129,190,228, GT deleted; deleting any 2 consecutive bases within chr6:129,190,226-129,190,228 gives the same sequence; the c. name uses the placement nearest the transcript's 3' end. VCF-style (leftmost placement, unchanged base first): chr6-129190225-CTG-C. GRCh37 (hg19) VCF-style: chr6-129511370-CTG-C.
Other names: c.1490_1491del, p.Asp496_Cys497insTer (NM_001079823.2).
Identifiers: ClinVar variation 2231337 (VCV002231337.3), dbSNP rs2482767087, ClinGen allele CA2580074897.
Genomic context (GRCh38, chr6:129,190,225, plus strand): 5'-GAAGGATACCTCTGTTGCTGATACATCTCTTTATTTGCAGGAAAATGTTGAAGGAGGAGA[CTG>C]TAGTCGTTGCAAATCCGGCTTCTTCAATTTGCAAGAGGATAATTGGAAAGGCTGCGATGA-3'